The following is an entry in ClinVar:

ClinVar aggregate classification (germline): Conflicting classifications of pathogenicity. Review status: criteria provided, conflicting classifications (1 of 4 stars). 4 submissions from 4 submitters: Uncertain significance (3); Likely benign (1). Last evaluated 2026-01-04.

Conditions:
Hereditary cancer-predisposing syndrome. Also called: Neoplastic Syndromes, Hereditary; Tumor predisposition; Hereditary neoplastic syndrome; Hereditary Cancer Syndrome. Identifiers: Orphanet 140162, MedGen C0027672, MeSH D009386, MONDO:0015356.
BAP1-related tumor predisposition syndrome (TPDS1). Also called: Tumor susceptibility linked to germline BAP1 mutations; COMMON Syndrome; TUMOR PREDISPOSITION SYNDROME 1; BAP1 tumor predisposition syndrome. Identifiers: Orphanet 289539, MedGen C3280492, MONDO:0013692, OMIM 614327.

Allele frequency attached by ClinVar (database versions not stated): TOPMed below 0.00001; gnomAD 0.00001.
gnomAD v4.1: 3 of 1,563,430 alleles (0.00019%); highest among the groups gnomAD compares: Non-Finnish European, 0.00026%; no homozygotes.

Submissions (4):

Labcorp Genetics (formerly Invitae), Labcorp
Classification: Uncertain significance for BAP1-related tumor predisposition syndrome. Last evaluated: 2026-01-04. Review status: criteria provided, single submitter. Criteria: Invitae Variant Classification Sherloc (09022015). Collection method: clinical testing. Allele origin: germline.
Comment: This sequence change replaces methionine, which is neutral and non-polar, with valine, which is neutral and non-polar, at codon 211 of the BAP1 protein (p.Met211Val). This variant is not present in population databases (gnomAD no frequency). This variant has not been reported in the literature in individuals affected with BAP1-related conditions. ClinVar contains an entry for this variant (Variation ID: 809491). Invitae Evidence Modeling of protein sequence and biophysical properties (such as structural, functional, and spatial information, amino acid conservation, physicochemical variation, residue mobility, and thermodynamic stability) has been performed for this missense variant. However, the output from this modeling did not meet the statistical confidence thresholds required to predict the impact of this variant on BAP1 protein function. In summary, the available evidence is currently insufficient to determine the role of this variant in disease. Therefore, it has been classified as a Variant of Uncertain Significance.

Ambry Genetics
Classification: Likely benign for Hereditary cancer-predisposing syndrome. Last evaluated: 2025-08-04. Review status: criteria provided, single submitter. Criteria: Ambry Variant Classification Scheme 2023. Collection method: clinical testing. Allele origin: germline.

GeneDx
Classification: Uncertain significance. Last evaluated: 2020-01-30. Review status: criteria provided, single submitter. Criteria: GeneDx Variant Classification Process June 2021. Collection method: clinical testing. Allele origin: germline. Affected: yes.
Comment: Not observed in large population cohorts (Lek 2016); In silico analysis supports that this missense variant does not alter protein structure/function; Has not been previously published as pathogenic or benign to our knowledge

Color Diagnostics, LLC DBA Color Health
Classification: Uncertain significance for Hereditary cancer-predisposing syndrome. Last evaluated: 2019-01-16. Review status: criteria provided, single submitter. Criteria: ACMG Guidelines, 2015. Collection method: clinical testing. Allele origin: germline.

Literature cited by the submitters: PubMed 38969833 (cited by Ambry Genetics).

NM_004656.4(BAP1):c.631A>G (p.Met211Val)

Gene: BAP1 (BRCA1 associated deubiquitinase 1; minus strand). Cytogenetic location: 3p21.1.
Variant type: single nucleotide variant.
Coding change: c.631A>G on transcript NM_004656.4 (MANE Select); coding-DNA position 631, A replaced by G.
Protein change: p.Met211Val; replaces methionine 211 with valine.
Molecular consequence: missense variant.
Genome position (GRCh38, 1-based): chr3:52,406,857, T>C on the plus strand (A>G on the coding strand, the complement: BAP1 is on the minus strand). VCF-style: chr3-52406857-T-C. GRCh37 (hg19) VCF-style: chr3-52440873-T-C.
Other names: c.631A>G (NM_004656.2); short protein forms M211V.
Identifiers: ClinVar variation 809491 (VCV000809491.20), dbSNP rs1578225825, ClinGen allele CA353108920.